The following is an entry in ClinVar:

NM_018062.4(FANCL):c.96+8C>G

Gene: FANCL (FA complementation group L; minus strand). Cytogenetic location: 2p16.1.
Variant type: single nucleotide variant.
Coding change: c.96+8C>G on transcript NM_018062.4 (MANE Select); 8 bases into the intron after coding-DNA position 96, C replaced by G.
Molecular consequence: intron variant.
Genome position (GRCh38, 1-based): chr2:58,241,210, G>C on the plus strand (C>G on the coding strand, the complement: FANCL is on the minus strand). VCF-style: chr2-58241210-G-C. GRCh37 (hg19) VCF-style: chr2-58468345-G-C.
Other names: c.96+8C>G (NM_001114636.2, NM_001410792.1, NM_001374615.1 and 1 more transcripts).
Identifiers: ClinVar variation 3013444 (VCV003013444.4), dbSNP rs773655702, ClinGen allele CA1670813.

ClinVar aggregate classification (germline): Likely benign. Review status: criteria provided, multiple submitters, no conflicts (2 of 4 stars). 2 submissions from 2 submitters: Likely benign (2). Last evaluated 2025-10-06.

Conditions:
FANCL-related disorder. Also called: FANCL-related condition.
Fanconi anemia (FA). Also called: Fanconi's anemia. Identifiers: Orphanet 84, MedGen C0015625, MeSH D005199, MONDO:0019391.

Allele frequency attached by ClinVar (database versions not stated): ExAC 0.00002.
gnomAD v4.1: 13 of 1,614,110 alleles (0.00081%); highest among the groups gnomAD compares: South Asian, 0.014%; no homozygotes.

Submissions (2):

PreventionGenetics, part of Exact Sciences
Classification: Likely benign for FANCL-related condition. Last evaluated: 2025-10-06. Review status: criteria provided, single submitter. Criteria: ACMG Guidelines, 2015. Collection method: clinical testing. Allele origin: germline.
Comment: This variant is classified as likely benign based on ACMG/AMP sequence variant interpretation guidelines (Richards et al. 2015 PMID: 25741868, with internal and published modifications).

Labcorp Genetics (formerly Invitae), Labcorp
Classification: Likely benign for Fanconi anemia. Last evaluated: 2024-04-10. Review status: criteria provided, single submitter. Criteria: Invitae Variant Classification Sherloc (09022015). Collection method: clinical testing. Allele origin: germline.